The following is an entry in ClinVar:

ClinVar aggregate classification (germline): Uncertain significance. Review status: criteria provided, multiple submitters, no conflicts (2 of 4 stars). 2 submissions from 2 submitters: Uncertain significance (2). Last evaluated 2025-12-03.

Conditions:
Hereditary cancer-predisposing syndrome. Also called: Tumor predisposition; Hereditary Cancer Syndrome; Neoplastic Syndromes, Hereditary; Hereditary neoplastic syndrome. Identifiers: Orphanet 140162, MedGen C0027672, MeSH D009386, MONDO:0015356.
Multiple endocrine neoplasia, type 2 (MEN2). Identifiers: Orphanet 653, MedGen C4048306, MONDO:0019003. Disease mechanism: gain of function.

Submissions (2):

Labcorp Genetics (formerly Invitae), Labcorp
Classification: Uncertain significance for Multiple endocrine neoplasia, type 2. Last evaluated: 2025-12-03. Review status: criteria provided, single submitter. Criteria: Invitae Variant Classification Sherloc (09022015). Collection method: clinical testing. Allele origin: germline.
Comment: This sequence change replaces glycine, which is neutral and non-polar, with serine, which is neutral and polar, at codon 849 of the RET protein (p.Gly849Ser). This variant is not present in population databases (gnomAD no frequency). This variant has not been reported in the literature in individuals affected with RET-related conditions. ClinVar contains an entry for this variant (Variation ID: 1792878). An algorithm developed to predict the effect of missense changes on protein structure and function (PolyPhen-2) suggests that this variant is likely to be disruptive. In summary, the available evidence is currently insufficient to determine the role of this variant in disease. Therefore, it has been classified as a Variant of Uncertain Significance.

Ambry Genetics
Classification: Uncertain significance for Hereditary cancer-predisposing syndrome. Last evaluated: 2023-10-17. Review status: criteria provided, single submitter. Criteria: Ambry Variant Classification Scheme 2023. Collection method: clinical testing. Allele origin: germline.
Comment: The p.G849S variant (also known as c.2545G>A), located in coding exon 14 of the RET gene, results from a G to A substitution at nucleotide position 2545. The glycine at codon 849 is replaced by serine, an amino acid with similar properties. This amino acid position is highly conserved in available vertebrate species. In addition, the in silico prediction for this alteration is inconclusive. Since supporting evidence is limited at this time, the clinical significance of this alteration remains unclear.

NM_020975.6(RET):c.2545G>A (p.Gly849Ser)

Gene: RET (ret proto-oncogene; plus strand). Cytogenetic location: 10q11.21.
Variant type: single nucleotide variant.
Coding change: c.2545G>A on transcript NM_020975.6 (MANE Select); coding-DNA position 2545, G replaced by A.
Protein change: p.Gly849Ser; replaces glycine 849 with serine.
Molecular consequence: missense variant.
Genome position (GRCh38, 1-based): chr10:43,119,683, G>A. VCF-style: chr10-43119683-G-A. GRCh37 (hg19) VCF-style: chr10-43615131-G-A.
Other names: c.2545G>A, p.Gly849Ser (NM_000323.2, NM_001406743.1, NM_001406744.1 and 4 more transcripts); c.1783G>A, p.Gly595Ser (NM_001355216.2); c.2416G>A, p.Gly806Ser (NM_001406761.1, NM_001406762.1, NM_001406764.1); c.2410G>A, p.Gly804Ser (NM_001406763.1, NM_001406765.1); c.2257G>A, p.Gly753Ser (NM_001406766.1, NM_001406767.1, NM_001406770.1); c.2281G>A, p.Gly761Ser (NM_001406768.1); c.2149G>A, p.Gly717Ser (NM_001406769.1, NM_001406772.1); c.2107G>A, p.Gly703Ser (NM_001406771.1, NM_001406773.1); and 10 more; short protein forms G414S, G510S, G550S, G595S, G607S, G674S, G703S, G753S.
Identifiers: ClinVar variation 1792878 (VCV001792878.3), dbSNP rs775828448, ClinGen allele CA376556526.
Genomic context (GRCh38, chr10:43,119,683, plus strand): 5'-AGTGGAGGCAGCCGCAACTCCAGCTCCCTGGACCACCCGGATGAGCGGGCCCTCACCATG[G>A]GCGACCTCATCTCATTTGCCTGGCAGATCTCACAGGGGATGCAGTATCTGGCCGAGATGA-3'
Protein context (NP_066124.1, residues 839-859): DHPDERALTM[Gly849Ser]DLISFAWQIS